The following is an entry in ClinVar:

NM_000135.4(FANCA):c.3295C>T (p.Gln1099Ter)

Gene: FANCA (FA complementation group A; minus strand). Cytogenetic location: 16q24.3.
Variant type: single nucleotide variant.
Coding change: c.3295C>T on transcript NM_000135.4 (MANE Select); coding-DNA position 3295, C replaced by T.
Protein change: p.Gln1099Ter; replaces glutamine 1099 with a stop codon.
Molecular consequence: nonsense.
Genome position (GRCh38, 1-based): chr16:89,748,712, G>A on the plus strand (C>T on the coding strand, the complement: FANCA is on the minus strand). VCF-style: chr16-89748712-G-A. GRCh37 (hg19) VCF-style: chr16-89815120-G-A.
Other names: c.3295C>T (NM_000135.3); c.3295C>T, p.Gln1099Ter (NM_001286167.3); short protein forms Q1099*.
Identifiers: ClinVar variation 1899723 (VCV001899723.10), dbSNP rs746176365, ClinGen allele CA8251240.

ClinVar aggregate classification (germline): Pathogenic/Likely pathogenic. Review status: criteria provided, multiple submitters, no conflicts (2 of 4 stars). 5 submissions from 5 submitters: Pathogenic (4); Likely pathogenic (1). Last evaluated 2025-01-23.

Conditions:
FANCA-related disorders.
Fanconi anemia (FA). Also called: Fanconi's anemia. Identifiers: Orphanet 84, MedGen C0015625, MeSH D005199, MONDO:0019391.
FANCA-related disorder. Also called: FANCA-related condition.

Allele frequency attached by ClinVar (database versions not stated): gnomAD exomes below 0.00001; ExAC 0.00001.
gnomAD v4.1: 2 of 1,614,148 alleles (0.00012%); highest among the groups gnomAD compares: South Asian, 0.0011%; no homozygotes.

Submissions (5):

PreventionGenetics, part of Exact Sciences
Classification: Pathogenic for FANCA-related condition. Last evaluated: 2025-01-23. Review status: criteria provided, single submitter. Criteria: ACMG Guidelines, 2015. Collection method: clinical testing. Allele origin: germline.
Comment: The FANCA c.3295C>T variant is predicted to result in premature protein termination (p.Gln1099*). This variant has been reported with a second frameshift variant in an individual with Fanconi anemia (Mori et al. 2019. PubMed ID: 30792206). This variant is reported in 0.0033% of alleles in individuals of South Asian descent in gnomAD. Nonsense variants in FANCA are expected to be pathogenic. This variant is interpreted as pathogenic.

GeneDx
Classification: Pathogenic. Last evaluated: 2024-03-13. Review status: criteria provided, single submitter. Criteria: GeneDx Variant Classification Process June 2021. Collection method: clinical testing. Allele origin: germline. Affected: yes.
Comment: Nonsense variant predicted to result in protein truncation or nonsense mediated decay in a gene for which loss of function is a known mechanism of disease; This variant is associated with the following publications: (PMID: ShahidM2019[review], 19367192, 26689913, 36451132, 36113475, 29625052, Chan2021[article], 30792206)

Genetic Services Laboratory, University of Chicago
Classification: Likely pathogenic. Last evaluated: 2023-09-15. Review status: criteria provided, single submitter. Criteria: ACMG Guidelines, 2015. Collection method: clinical testing. Allele origin: germline. Affected: yes.
Comment: DNA sequence analysis of the FANCA gene demonstrated a sequence change, c.3295C>T, which results in the creation of a premature stop codon at amino acid position 1099, p.Gln1099*. This pathogenic sequence change is predicted to result in an abnormal transcript, which may be degraded, or may lead to the production of a truncated FANCA protein with potentially abnormal function. This pathogenic sequence change has previously been described in the compound heterozygous state in an individual with Fanconi anemia [PMID: 30792206]. This sequence change has been described in the gnomAD database in two individuals, which corresponds to an overall population frequency of 0.0008% (dbSNP rs746176365). Collectively, this evidence indicates that this sequence change is likely pathogenic.

Blueprint Genetics
Classification: Pathogenic for FANCA-related disorders. Last evaluated: 2022-01-07. Review status: criteria provided, single submitter. Criteria: ACMG Guidelines, 2015. Collection method: clinical testing. Allele origin: germline. Affected: yes. Observed: 2 variant alleles.

Labcorp Genetics (formerly Invitae), Labcorp
Classification: Pathogenic for Fanconi anemia. Last evaluated: 2021-12-25. Review status: criteria provided, single submitter. Criteria: Invitae Variant Classification Sherloc (09022015). Collection method: clinical testing. Allele origin: germline.
Comment: For these reasons, this variant has been classified as Pathogenic. This premature translational stop signal has been observed in individual(s) with clinical features of Fanconi anemia (PMID: 30792206). This variant is present in population databases (rs746176365, gnomAD 0.003%). This sequence change creates a premature translational stop signal (p.Gln1099*) in the FANCA gene. It is expected to result in an absent or disrupted protein product. Loss-of-function variants in FANCA are known to be pathogenic (PMID: 19367192).

Literature cited by the submitters: PubMed 30792206 (cited by Labcorp Genetics (formerly Invitae), Labcorp); PubMed 19367192 (cited by Labcorp Genetics (formerly Invitae), Labcorp).